The following is an entry in ClinVar:

ClinVar aggregate classification (germline): Uncertain significance (1 of 4 stars; one submission).

Submission:

Labcorp Genetics (formerly Invitae), Labcorp
Classification: Uncertain significance. Last evaluated: 2025-10-22. Review status: criteria provided, single submitter. Criteria: Invitae Variant Classification Sherloc (09022015). Collection method: clinical testing. Allele origin: germline.
Comment: This sequence change replaces arginine, which is basic and polar, with glycine, which is neutral and non-polar, at codon 1974 of the MYH7B protein (p.Arg1974Gly). This variant is not present in population databases (gnomAD no frequency). This variant has not been reported in the literature in individuals affected with MYH7B-related conditions. Invitae Evidence Modeling of protein sequence and biophysical properties (such as structural, functional, and spatial information, amino acid conservation, physicochemical variation, residue mobility, and thermodynamic stability) has been performed for this missense variant. However, the output from this modeling did not meet the statistical confidence thresholds required to predict the impact of this variant on MYH7B protein function. In summary, the available evidence is currently insufficient to determine the role of this variant in disease. Therefore, it has been classified as a Variant of Uncertain Significance.

NM_020884.7(MYH7B):c.5794C>G (p.Arg1932Gly)

Gene: MYH7B (myosin heavy chain 7B; plus strand). Cytogenetic location: 20q11.22.
Variant type: single nucleotide variant.
Coding change: c.5794C>G on transcript NM_020884.7 (MANE Select); coding-DNA position 5794, C replaced by G.
Protein change: p.Arg1932Gly; replaces arginine 1932 with glycine.
Molecular consequence: missense variant.
Genome position (GRCh38, 1-based): chr20:35,002,065, C>G. VCF-style: chr20-35002065-C-G. GRCh37 (hg19) VCF-style: chr20-33589868-C-G.
Other names: short protein forms R1932G.
Identifiers: ClinVar variation 4745475 (VCV004745475.1).
Genomic context (GRCh38, chr20:35,002,065, plus strand): 5'-GATGCGGAGGAGCGGGCAGACATGGCGGAAACCCAGGCCAACAAGCTGCGGGCACGGACC[C>G]GGGACGCCCTGGGCCCCAAGGTGAGGAGTGGCAGGGGCATTGCTCTCTGTGCAGGGGGAC-3'
Protein context (NP_065935.4, residues 1922-1941): TQANKLRART[Arg1932Gly]DALGPKHKE